The following is an entry in ClinVar:

NM_000535.7(PMS2):c.1851C>T (p.Pro617=)

Gene: PMS2 (PMS1 homolog 2, mismatch repair system component; minus strand). Cytogenetic location: 7p22.1.
Variant type: single nucleotide variant.
Coding change: c.1851C>T on transcript NM_000535.7 (MANE Select); coding-DNA position 1851, C replaced by T.
Protein change: p.Pro617=; no amino-acid change (proline 617 retained).
Molecular consequence: synonymous variant. On other transcripts: non-coding transcript variant (1).
Genome position (GRCh38, 1-based): chr7:5,986,914, G>A on the plus strand (C>T on the coding strand, the complement: PMS2 is on the minus strand). VCF-style: chr7-5986914-G-A. GRCh37 (hg19) VCF-style: chr7-6026545-G-A.
Other names: c.1446C>T, p.Pro482= (NM_001322003.2, NM_001322004.2, NM_001322005.2 and 1 more transcripts); c.1695C>T, p.Pro565= (NM_001322006.2); c.1533C>T, p.Pro511= (NM_001322007.2, NM_001322008.2); c.1290C>T, p.Pro430= (NM_001322010.2); c.918C>T, p.Pro306= (NM_001322011.2, NM_001322012.2); c.1278C>T, p.Pro426= (NM_001322013.2); c.1851C>T, p.Pro617= (NM_001322014.2); c.1542C>T, p.Pro514= (NM_001322015.2).
Identifiers: ClinVar variation 455673 (VCV000455673.12), dbSNP rs1554297171, ClinGen allele CA453745759.
Genomic context (GRCh38, chr7:5,986,914, plus strand): 5'-CTGTGCTTCATGATGTAACTGCTTTATTCGTTTAGCTAAAGAACTCATAGAAAAGTCCAG[G>A]GGCACAACTTTCTTATTAATTTTCACAGCTACATCAACCTGAGAGGCTGACATGTCCTGA-3'
Protein context (NP_000526.2, residues 607-627): VAVKINKKVV[Pro617=]LDFSMSSLAK

ClinVar aggregate classification (germline): Likely benign. Review status: criteria provided, multiple submitters, no conflicts (2 of 4 stars). 4 submissions from 4 submitters: Likely benign (4). Last evaluated 2025-07-15.

Conditions:
Hereditary nonpolyposis colorectal neoplasms. Identifiers: MedGen C0009405, MeSH D003123.
Hereditary cancer-predisposing syndrome. Also called: Hereditary Cancer Syndrome; Hereditary neoplastic syndrome; Neoplastic Syndromes, Hereditary; Tumor predisposition. Identifiers: Orphanet 140162, MedGen C0027672, MeSH D009386, MONDO:0015356.

Allele frequency attached by ClinVar (database versions not stated): gnomAD exomes below 0.00001.
gnomAD v4.1: 5 of 1,614,012 alleles (0.00031%); highest among the groups gnomAD compares: Non-Finnish European, 0.00017%; no homozygotes.

Submissions (4):

Ambry Genetics
Classification: Likely benign for Hereditary cancer-predisposing syndrome. Last evaluated: 2025-07-15. Review status: criteria provided, single submitter. Criteria: Ambry Variant Classification Scheme 2023. Collection method: clinical testing. Allele origin: germline.

Labcorp Genetics (formerly Invitae), Labcorp
Classification: Likely benign for Hereditary nonpolyposis colorectal neoplasms. Last evaluated: 2024-10-13. Review status: criteria provided, single submitter. Criteria: Invitae Variant Classification Sherloc (09022015). Collection method: clinical testing. Allele origin: germline.

Color Diagnostics, LLC DBA Color Health
Classification: Likely benign for Hereditary cancer-predisposing syndrome. Last evaluated: 2017-08-10. Review status: criteria provided, single submitter. Criteria: ACMG Guidelines, 2015. Collection method: clinical testing. Allele origin: germline.

GeneDx
Classification: Likely benign. Last evaluated: 2017-06-23. Review status: criteria provided, single submitter. Criteria: GeneDx Variant Classification (06012015). Collection method: clinical testing. Allele origin: germline. Affected: yes.
Comment: This variant is considered likely benign or benign based on one or more of the following criteria: it is a conservative change, it occurs at a poorly conserved position in the protein, it is predicted to be benign by multiple in silico algorithms, and/or has population frequency not consistent with disease.